The following is an entry in ClinVar:

ClinVar aggregate classification (germline): Pathogenic. Review status: criteria provided, multiple submitters, no conflicts (2 of 4 stars). 2 submissions from 2 submitters: Pathogenic (2). Last evaluated 2026-06-12.

Conditions:
Cardiovascular phenotype. Identifiers: MedGen CN230736.
Hereditary cancer-predisposing syndrome. Also called: Neoplastic Syndromes, Hereditary; Tumor predisposition; Hereditary Cancer Syndrome; Hereditary neoplastic syndrome. Identifiers: Orphanet 140162, MedGen C0027672, MeSH D009386, MONDO:0015356.
Neurofibromatosis, type 1 (NF1). Also called: VON RECKLINGHAUSEN DISEASE; Peripheral type neurofibromatosis; Neurofibromatosis, type I; NEUROFIBROMATOSIS, TYPE I, SOMATIC. Identifiers: Orphanet 636, MedGen C0027831, MONDO:0018975, OMIM 162200. Disease mechanism: loss of function.

Submissions (2):

Ambry Genetics
Classification: Pathogenic for Cardiovascular phenotype; Hereditary cancer-predisposing syndrome. Last evaluated: 2026-06-12. Review status: criteria provided, single submitter. Criteria: Ambry Variant Classification Scheme 2023. Collection method: clinical testing. Allele origin: germline.
Comment: The c.2862delT pathogenic mutation, located in coding exon 22 of the NF1 gene, results from a deletion of one nucleotide at nucleotide position 2862, causing a translational frameshift with a predicted alternate stop codon (p.D955Ifs*7). This variant was reported in individual(s) with features consistent with neurofibromatosis type 1 (NF1) (Ambry internal data). This variant is considered to be rare based on population cohorts in the Genome Aggregation Database (gnomAD). This alteration is expected to result in loss of function by premature protein truncation or nonsense-mediated mRNA decay. As such, this alteration is interpreted as a disease-causing mutation.

Labcorp Genetics (formerly Invitae), Labcorp
Classification: Pathogenic for Neurofibromatosis, type 1. Last evaluated: 2025-09-09. Review status: criteria provided, single submitter. Criteria: Invitae Variant Classification Sherloc (09022015). Collection method: clinical testing. Allele origin: germline.
Comment: This sequence change creates a premature translational stop signal (p.Asp955Ilefs*7) in the NF1 gene. It is expected to result in an absent or disrupted protein product. Loss-of-function variants in NF1 are known to be pathogenic (PMID: 10712197, 23913538). This variant is not present in population databases (gnomAD no frequency). This variant has not been reported in the literature in individuals affected with NF1-related conditions. For these reasons, this variant has been classified as Pathogenic.

Literature cited by the submitters: PubMed 10712197 (cited by Labcorp Genetics (formerly Invitae), Labcorp); PubMed 23913538 (cited by Labcorp Genetics (formerly Invitae), Labcorp).

NM_001042492.3(NF1):c.2862del (p.Asp955fs)

Gene: NF1 (neurofibromin 1; plus strand). Cytogenetic location: 17q11.2.
Variant type: Deletion.
Coding change: c.2862del on transcript NM_001042492.3 (MANE Select); coding-DNA position 2862, one base deleted (T; older notation c.2862delT).
Protein change: p.Asp955fs; shifts the reading frame from aspartic acid 955.
Molecular consequence: frameshift variant.
Genome position (GRCh38, 1-based): chr17:31,229,846, T deleted. VCF-style (leftmost placement, unchanged base first): chr17-31229845-CT-C. GRCh37 (hg19) VCF-style: chr17-29556863-CT-C.
Other names: c.2862del, p.Asp955fs (NM_000267.4); short protein forms D955fs.
Identifiers: ClinVar variation 4726887 (VCV004726887.2).